The following is an entry in ClinVar:

NM_000361.3(THBD):c.489T>C (p.Asp163=)

Gene: THBD (thrombomodulin; minus strand). Cytogenetic location: 20p11.21.
Variant type: single nucleotide variant.
Coding change: c.489T>C on transcript NM_000361.3 (MANE Select); coding-DNA position 489, T replaced by C.
Protein change: p.Asp163=; no amino-acid change (aspartic acid 163 retained).
Molecular consequence: synonymous variant.
Genome position (GRCh38, 1-based): chr20:23,049,016, A>G on the plus strand (T>C on the coding strand, the complement: THBD is on the minus strand). VCF-style: chr20-23049016-A-G. GRCh37 (hg19) VCF-style: chr20-23029653-A-G.
Identifiers: ClinVar variation 3604206 (VCV003604206.3).

ClinVar aggregate classification (germline): Conflicting classifications of pathogenicity. Review status: criteria provided, conflicting classifications (1 of 4 stars). 2 submissions from 2 submitters: Uncertain significance (1); Likely benign (1). Last evaluated 2024-08-05.

gnomAD v4.1: 13 of 1,573,292 alleles (0.00083%); highest among the groups gnomAD compares: Non-Finnish European, 0.001%; no homozygotes.

Submissions (2):

Labcorp Genetics (formerly Invitae), Labcorp
Classification: Uncertain significance. Last evaluated: 2024-08-05. Review status: criteria provided, single submitter. Criteria: Invitae Variant Classification Sherloc (09022015). Collection method: clinical testing. Allele origin: germline.
Comment: This sequence change affects codon 163 of the THBD mRNA. It is a 'silent' change, meaning that it does not change the encoded amino acid sequence of the THBD protein. The frequency data for this variant in the population databases is considered unreliable, as metrics indicate poor data quality at this position in the gnomAD database. This variant has not been reported in the literature in individuals affected with THBD-related conditions. Experimental studies and prediction algorithms are not available or were not evaluated, and the effect of this variant on mRNA splicing is currently unknown. In summary, the available evidence is currently insufficient to determine the role of this variant in disease. Therefore, it has been classified as a Variant of Uncertain Significance.

Blueprint Genetics
Classification: Likely benign. Last evaluated: 2024-02-15. Review status: criteria provided, single submitter. Criteria: ACMG Guidelines, 2015. Collection method: clinical testing. Allele origin: germline.